The following is an entry in ClinVar:

ClinVar aggregate classification (germline): Uncertain significance (1 of 4 stars; one submission).

Conditions:
Congenital myasthenic syndrome 4A. Also called: Myasthenic syndrome, congenital, 4a, slow-channel; CONGENITAL MYASTHENIC SYNDROME TYPE Ia1; MYASTHENIC SYNDROME, CONGENITAL, 4A, SLOW-CHANNEL, AUTOSOMAL RECESSIVE. Identifiers: Orphanet 590, MedGen C4225413, MONDO:0011600, OMIM 605809.

Submission:

Labcorp Genetics (formerly Invitae), Labcorp
Classification: Uncertain significance for Congenital myasthenic syndrome 4A. Last evaluated: 2023-06-28. Review status: criteria provided, single submitter. Criteria: Invitae Variant Classification Sherloc (09022015). Collection method: clinical testing. Allele origin: germline.
Comment: This sequence change replaces tryptophan, which is neutral and slightly polar, with arginine, which is basic and polar, at codon 106 of the CHRNE protein (p.Trp106Arg). This variant is not present in population databases (gnomAD no frequency). This variant has not been reported in the literature in individuals affected with CHRNE-related conditions. Advanced modeling of protein sequence and biophysical properties (such as structural, functional, and spatial information, amino acid conservation, physicochemical variation, residue mobility, and thermodynamic stability) performed at Invitae indicates that this missense variant is expected to disrupt CHRNE protein function. In summary, the available evidence is currently insufficient to determine the role of this variant in disease. Therefore, it has been classified as a Variant of Uncertain Significance.

NM_000080.4(CHRNE):c.316T>C (p.Trp106Arg)

Genes: C17orf107 (chromosome 17 open reading frame 107; plus strand), CHRNE (cholinergic receptor nicotinic epsilon subunit; minus strand). Cytogenetic location: 17p13.2.
Variant type: single nucleotide variant.
Coding change: c.316T>C on transcript NM_000080.4 (MANE Select); coding-DNA position 316, T replaced by C.
Protein change: p.Trp106Arg; replaces tryptophan 106 with arginine.
Molecular consequence: missense variant. On other transcripts: 3 prime UTR variant (1).
Genome position (GRCh38, 1-based): chr17:4,902,245, A>G on the plus strand (T>C on the coding strand, the complement: CHRNE is on the minus strand). VCF-style: chr17-4902245-A-G. GRCh37 (hg19) VCF-style: chr17-4805540-A-G.
Other names: c.*1712A>G (NM_001145536.2); short protein forms W106R.
Identifiers: ClinVar variation 2909841 (VCV002909841.3), dbSNP rs2507561438, ClinGen allele CA397306978.
Genomic context (GRCh38, chr17:4,902,245, plus strand): 5'-CCCTCCAGCCTGGCGTCTGGCCCGGTTCTCACTTGTTTTCCAGCACAATCTCTGGCAGCC[A>G]CACGAGTTCTGAAGGGACTCGCAGGGTTTCTATACCCCCAAAGTCGTCCTTGCTGTAGTT-3'
Protein context (NP_000071.1, residues 96-116): ETLRVPSELV[Trp106Arg]LPEIVLENNI